The following is an entry in ClinVar:

NM_006757.4(TNNT3):c.268G>A (p.Val90Ile)

Gene: TNNT3 (troponin T3, fast skeletal type; plus strand). Cytogenetic location: 11p15.5.
Variant type: single nucleotide variant.
Coding change: c.268G>A on transcript NM_006757.4 (MANE Select); coding-DNA position 268, G replaced by A.
Protein change: p.Val90Ile; replaces valine 90 with isoleucine.
Molecular consequence: missense variant.
Genome position (GRCh38, 1-based): chr11:1,933,817, G>A. VCF-style: chr11-1933817-G-A. GRCh37 (hg19) VCF-style: chr11-1955047-G-A.
Other names: c.277G>A, p.Val93Ile (NM_001367847.1, NM_001363561.2); c.265G>A, p.Val89Ile (NM_001367848.1); c.256G>A, p.Val86Ile (NM_001367849.1); c.211G>A, p.Val71Ile (NM_001367850.1); c.64G>A, p.Val22Ile (NM_001367851.1, NM_001367852.1); c.244G>A, p.Val82Ile (NM_001042780.3, NM_001042782.3, NM_001297646.2 and 2 more transcripts); c.262G>A, p.Val88Ile (NM_001042781.3, NM_001367842.1, NM_001367843.1); c.301G>A, p.Val101Ile (NM_001367846.1); short protein forms V101I, V71I, V88I, V90I, V93I, V22I, V82I, V86I.
Identifiers: ClinVar variation 3011046 (VCV003011046.3), dbSNP rs1311415725, ClinGen allele CA379096669.

ClinVar aggregate classification (germline): Uncertain significance (1 of 4 stars; one submission).

Allele frequency attached by ClinVar (database versions not stated): gnomAD 0.00001; gnomAD exomes 0.00001; TOPMed 0.00001.
gnomAD v4.1: 17 of 1,612,614 alleles (0.0011%); highest among the groups gnomAD compares: Non-Finnish European, 0.0014%; no homozygotes.

Submission:

Labcorp Genetics (formerly Invitae), Labcorp
Classification: Uncertain significance. Last evaluated: 2023-06-16. Review status: criteria provided, single submitter. Criteria: Invitae Variant Classification Sherloc (09022015). Collection method: clinical testing. Allele origin: germline.
Comment: In summary, the available evidence is currently insufficient to determine the role of this variant in disease. Therefore, it has been classified as a Variant of Uncertain Significance. Algorithms developed to predict the effect of missense changes on protein structure and function output the following: SIFT: "Not Available"; PolyPhen-2: "Benign"; Align-GVGD: "Not Available". The isoleucine amino acid residue is found in multiple mammalian species, which suggests that this missense change does not adversely affect protein function. This variant has not been reported in the literature in individuals affected with TNNT3-related conditions. This variant is present in population databases (no rsID available, gnomAD 0.002%). This sequence change replaces valine, which is neutral and non-polar, with isoleucine, which is neutral and non-polar, at codon 90 of the TNNT3 protein (p.Val90Ile).